The following is an entry in ClinVar:

NM_032638.5(GATA2):c.404dup (p.Gly136fs)

Gene: GATA2 (GATA binding protein 2; minus strand). Cytogenetic location: 3q21.3.
Variant type: Duplication.
Coding change: c.404dup on transcript NM_032638.5 (MANE Select); coding-DNA position 404, one base duplicated (G; older notation c.404dupG).
Protein change: p.Gly136fs; shifts the reading frame from glycine 136.
Molecular consequence: frameshift variant.
Genome position (GRCh38, 1-based): chr3:128,486,194, C duplicated on the plus strand (G on the coding strand, the reverse complement: GATA2 is on the minus strand); the first of 2 consecutive C bases (chr3:128,486,194-128,486,195); duplicating either gives the same sequence. VCF-style (leftmost placement, unchanged base first): chr3-128486193-T-TC. GRCh37 (hg19) VCF-style: chr3-128205036-T-TC.
Other names: c.404dup, p.Gly136fs (NM_001145661.2, NM_001145662.1); short protein forms G136fs.
Identifiers: ClinVar variation 1184204 (VCV001184204.1), dbSNP rs2107672730, ClinGen allele CA1139532783.

ClinVar aggregate classification (germline): Pathogenic (1 of 4 stars; one submission).

Conditions:
Deafness-lymphedema-leukemia syndrome. Also called: Emberger syndrome; Lymphedema, primary, with myelodysplasia. Identifiers: Orphanet 3226, MedGen C3279664, MONDO:0013540, OMIM 614038.
GATA2 deficiency with susceptibility to MDS/AML. Identifiers: MedGen CN300066, MONDO:0042982.

Submission:

Molecular Pathology Research Laboratory, SA Pathology
Classification: Pathogenic for GATA2 deficiency with susceptibility to MDS/AML; Deafness-lymphedema-leukemia syndrome. Last evaluated: 2021-07-06. Review status: criteria provided, single submitter. Criteria: ACMG Guidelines, 2015. Collection method: curation. Allele origin: unknown. Inheritance: Autosomal dominant inheritance. Affected: yes. Observed: 1 variant allele.
Comment: PVS1, PS4_Supporting, PM2

Literature cited by the submitters: PubMed 26716079.